The following is an entry in ClinVar:

NM_207122.2(EXT2):c.1809T>G (p.Tyr603Ter)

Gene: EXT2 (exostosin glycosyltransferase 2; plus strand). Cytogenetic location: 11p11.2.
Variant type: single nucleotide variant.
Coding change: c.1809T>G on transcript NM_207122.2 (MANE Select); coding-DNA position 1809, T replaced by G.
Protein change: p.Tyr603Ter; replaces tyrosine 603 with a stop codon.
Molecular consequence: nonsense.
Genome position (GRCh38, 1-based): chr11:44,234,117, T>G. VCF-style: chr11-44234117-T-G. GRCh37 (hg19) VCF-style: chr11-44255667-T-G.
Other names: c.1908T>G, p.Tyr636Ter (NM_000401.3); c.1839T>G, p.Tyr613Ter (NM_001178083.3); c.1809T>G, p.Tyr603Ter (NM_001389628.1, NM_001389630.1); short protein forms Y603*, Y613*, Y636*.
Identifiers: ClinVar variation 3376178 (VCV003376178.1).

ClinVar aggregate classification (germline): Likely pathogenic (1 of 4 stars; one submission).

Conditions:
Exostoses, multiple, type 2 (EXT2). Also called: Hereditary Multiple Osteochondromatosis, Type II; EXOSTOSES, MULTIPLE, TYPE II. Identifiers: Orphanet 321, MedGen C1851413, MONDO:0007586, OMIM 133701.

Submission:

Pittsburgh Clinical Genomics Laboratory, University of Pittsburgh Medical Center
Classification: Likely pathogenic for Exostoses, multiple, type 2. Last evaluated: 2023-02-23. Review status: criteria provided, single submitter. Criteria: ACMG Guidelines, 2015. Collection method: clinical testing. Allele origin: germline. Inheritance: Autosomal unknown. Affected: yes.
Comment: This sequence variant is a single nucleotide substitution (T>G) at coding nucleotide 1809 of the EXT2 protein that generates an early termition codon at amino acid Tyr603. This variant is predicted to generate a non-functiol allele through either the expression of a truncated protein or a loss of EXT2 expression due to nonsense mediated decay. This variant has not been reported in databases of clinically relevant variants (ClinVar) or observed in the literature in individuals with EXT2-related illness, to our knowledge. This variant is absent from the gnomAD population database (0 of ~250,000 alleles). Because haploinsufficiency is a known mechanism of disease for EXT2, we consider this variant to be likely pathogenic. ACMG Criteria: PM2, PVS1